The following is an entry in ClinVar:

NM_000388.4(CASR):c.1997T>C (p.Leu666Pro)

Gene: CASR (calcium sensing receptor; plus strand). Cytogenetic location: 3q21.1.
Variant type: single nucleotide variant.
Coding change: c.1997T>C on transcript NM_000388.4 (MANE Select); coding-DNA position 1997, T replaced by C.
Protein change: p.Leu666Pro; replaces leucine 666 with proline.
Molecular consequence: missense variant.
Genome position (GRCh38, 1-based): chr3:122,283,951, T>C. VCF-style: chr3-122283951-T-C. GRCh37 (hg19) VCF-style: chr3-122002798-T-C.
Other names: c.2027T>C, p.Leu676Pro (NM_001178065.2); short protein forms L666P, L676P.
Identifiers: ClinVar variation 1328989 (VCV001328989.4), dbSNP rs2107649736, ClinGen allele CA354158267.

ClinVar aggregate classification (germline): Conflicting classifications of pathogenicity. Review status: criteria provided, conflicting classifications (1 of 4 stars). 3 submissions from 3 submitters: Likely pathogenic (1); Uncertain significance (2). Last evaluated 2026-06-11.

Conditions:
Familial hypocalciuric hypercalcemia (FHH). Also called: Familial benign hypercalcemia. Identifiers: Orphanet 405, MedGen C1809471, MONDO:0018458.
Autosomal dominant hypocalcemia 1 (HYPOC1). Also called: HYPOCALCEMIA, FAMILIAL. Identifiers: MedGen C3715128, MONDO:0011013, OMIM 601198.
CASR-related disorder. Also called: CASR-related condition.

Submissions (3):

Women's Health and Genetics/Laboratory Corporation of America, LabCorp
Classification: Uncertain significance. Last evaluated: 2026-06-11. Review status: criteria provided, single submitter. Criteria: LabCorp Variant Classification Summary - May 2015. Collection method: clinical testing. Allele origin: germline.
Comment: Variant summary: CASR c.1997T>C (p.Leu666Pro) results in a non-conservative amino acid change located in the GPCR family 3, C-terminal domain (IPR017978) of the encoded protein sequence. Algorithms developed to predict the effect of missense changes on protein structure and function all suggest that this variant is likely to be disruptive. The variant was absent in 251084 control chromosomes. The available data on variant occurrences in the general population are insufficient to allow any conclusion about variant significance. c.1997T>C has been reported in the literature in at least one individual affected with Familial Hypocalciuric Hypercalcemia type 1 (example, Vargas-Poussou_2016). These data do not allow any conclusion about variant significance. To our knowledge, no experimental evidence demonstrating an impact on protein function has been reported. The following publication has been ascertained in the context of this evaluation (PMID: 26963950). ClinVar contains an entry for this variant (Variation ID: 1328989). Based on the evidence outlined above, the variant was classified as uncertain significance.

Labcorp Genetics (formerly Invitae), Labcorp
Classification: Uncertain significance for Familial hypocalciuric hypercalcemia; Autosomal dominant hypocalcemia 1. Last evaluated: 2026-01-25. Review status: criteria provided, single submitter. Criteria: Invitae Variant Classification Sherloc (09022015). Collection method: clinical testing. Allele origin: germline.
Comment: This sequence change replaces leucine, which is neutral and non-polar, with proline, which is neutral and non-polar, at codon 666 of the CASR protein (p.Leu666Pro). This variant is not present in population databases (gnomAD no frequency). This missense change has been observed in individual(s) with clinical features of familial hypocalciuric hypercalcemia (PMID: 26963950). ClinVar contains an entry for this variant (Variation ID: 1328989). An algorithm developed to predict the effect of missense changes on protein structure and function (PolyPhen-2) suggests that this variant is likely to be disruptive. In summary, the available evidence is currently insufficient to determine the role of this variant in disease. Therefore, it has been classified as a Variant of Uncertain Significance.

Blueprint Genetics
Classification: Likely pathogenic for CASR-related disorders. Last evaluated: 2022-04-13. Review status: criteria provided, single submitter. Criteria: ACMG Guidelines, 2015. Collection method: clinical testing. Allele origin: germline. Affected: yes. Observed: 2 variant alleles.

Literature cited by the submitters: PubMed 26963950 (cited by Women's Health and Genetics/Laboratory Corporation of America, LabCorp and Labcorp Genetics (formerly Invitae), Labcorp).